The following is an entry in ClinVar:

ClinVar aggregate classification (germline): Likely benign. Review status: criteria provided, single submitter (1 of 4 stars). 2 submissions from 2 submitters: Likely benign (1). 1 of the submissions does not count toward it. Last evaluated 2025-06-17.

Conditions:
NRP2-related disorder. Also called: NRP2-related condition.

gnomAD v4.1: 209 of 1,614,058 alleles (0.013%); highest among the groups gnomAD compares: Non-Finnish European, 0.017%; 1 homozygote.

Submissions (2):

Ambry Genetics
Classification: Likely benign. Last evaluated: 2025-06-17. Review status: criteria provided, single submitter. Criteria: Ambry Variant Classification Scheme 2023. Collection method: clinical testing. Allele origin: germline.

PreventionGenetics, part of Exact Sciences
Classification: Uncertain significance for NRP2-related condition. Last evaluated: 2024-03-23. Review status: no assertion criteria provided. Collection method: clinical testing. Allele origin: germline. Not counted in ClinVar's aggregate classification.
Comment: The NRP2 c.1198G>A variant is predicted to result in the amino acid substitution p.Ala400Thr. To our knowledge, this variant has not been reported in the literature. This variant is reported in 0.015% of alleles in individuals of European (Non-Finnish) descent in gnomAD. At this time, the clinical significance of this variant is uncertain due to the absence of conclusive functional and genetic evidence.

NM_003872.3(NRP2):c.1198G>A (p.Ala400Thr)

Gene: NRP2 (neuropilin 2; plus strand). Cytogenetic location: 2q33.3.
Variant type: single nucleotide variant.
Coding change: c.1198G>A on transcript NM_003872.3 (MANE Select); coding-DNA position 1198, G replaced by A.
Protein change: p.Ala400Thr; replaces alanine 400 with threonine.
Molecular consequence: missense variant.
Genome position (GRCh38, 1-based): chr2:205,740,570, G>A. VCF-style: chr2-205740570-G-A. GRCh37 (hg19) VCF-style: chr2-206605294-G-A.
Other names: c.1198G>A, p.Ala400Thr (NM_018534.4, NM_201264.2, NM_201266.2 and 2 more transcripts); short protein forms A400T.
Identifiers: ClinVar variation 3358564 (VCV003358564.2).